The following is an entry in ClinVar:

NM_001963.6(EGF):c.761T>C (p.Leu254Pro)

Gene: EGF (epidermal growth factor; plus strand). Cytogenetic location: 4q25.
Variant type: single nucleotide variant.
Coding change: c.761T>C on transcript NM_001963.6 (MANE Select); coding-DNA position 761, T replaced by C.
Protein change: p.Leu254Pro; replaces leucine 254 with proline.
Molecular consequence: missense variant.
Genome position (GRCh38, 1-based): chr4:109,945,096, T>C. VCF-style: chr4-109945096-T-C. GRCh37 (hg19) VCF-style: chr4-110866252-T-C.
Other names: c.761T>C, p.Leu254Pro (NM_001178130.3, NM_001178131.3, NM_001357021.2); c.761T>C (NM_001963.4); short protein forms L254P.
Identifiers: ClinVar variation 2785439 (VCV002785439.4), dbSNP rs763686145, ClinGen allele CA357876982.

ClinVar aggregate classification (germline): Uncertain significance. Review status: criteria provided, multiple submitters, no conflicts (2 of 4 stars). 2 submissions from 2 submitters: Uncertain significance (2). Last evaluated 2025-11-06.

Allele frequency attached by ClinVar (database versions not stated): TOPMed below 0.00001; gnomAD 0.00001.
gnomAD v4.1: 1 of 1,614,038 alleles (0.000062%); highest among the groups gnomAD compares: Admixed American, 0.0017%; no homozygotes.

Submissions (2):

Ambry Genetics
Classification: Uncertain significance. Last evaluated: 2025-11-06. Review status: criteria provided, single submitter. Criteria: Ambry Variant Classification Scheme 2023. Collection method: clinical testing. Allele origin: germline.

Labcorp Genetics (formerly Invitae), Labcorp
Classification: Uncertain significance. Last evaluated: 2024-04-10. Review status: criteria provided, single submitter. Criteria: Invitae Variant Classification Sherloc (09022015). Collection method: clinical testing. Allele origin: germline.
Comment: This sequence change replaces leucine, which is neutral and non-polar, with proline, which is neutral and non-polar, at codon 254 of the EGF protein (p.Leu254Pro). This variant is not present in population databases (gnomAD no frequency). This variant has not been reported in the literature in individuals affected with EGF-related conditions. An algorithm developed to predict the effect of missense changes on protein structure and function (PolyPhen-2) suggests that this variant is likely to be disruptive. In summary, the available evidence is currently insufficient to determine the role of this variant in disease. Therefore, it has been classified as a Variant of Uncertain Significance.